The following is an entry in ClinVar:

NM_020203.6(MEPE):c.1357T>G (p.Ser453Ala)

Genes: MEPE-AS1 (MEPE and IBSP antisense RNA 1; minus strand), MEPE (matrix extracellular phosphoglycoprotein; plus strand). Cytogenetic location: 4q22.1.
Variant type: single nucleotide variant.
Coding change: c.1357T>G on transcript NM_020203.6 (MANE Select); coding-DNA position 1357, T replaced by G.
Protein change: p.Ser453Ala; replaces serine 453 with alanine.
Molecular consequence: missense variant.
Genome position (GRCh38, 1-based): chr4:87,846,225, T>G. VCF-style: chr4-87846225-T-G. GRCh37 (hg19) VCF-style: chr4-88767377-T-G.
Other names: c.1357T>G, p.Ser453Ala (NM_001184694.3); c.1018T>G, p.Ser340Ala (NM_001184695.4, NM_001184696.2, NM_001184697.2); c.1450T>G, p.Ser484Ala (NM_001291183.2); short protein forms S340A, S453A, S484A.
Identifiers: ClinVar variation 4985441 (VCV004985441.1).

ClinVar aggregate classification (germline): Uncertain significance (1 of 4 stars; one submission).

Conditions:
MEPE-related disorder. Also called: MEPE-related condition.

gnomAD v4.1: 11 of 1,613,882 alleles (0.00068%); highest among the groups gnomAD compares: Admixed American, 0.0017%; no homozygotes.

Submission:

PreventionGenetics, part of Exact Sciences
Classification: Uncertain significance for MEPE-related condition. Last evaluated: 2025-11-09. Review status: criteria provided, single submitter. Criteria: ACMG Guidelines, 2015. Collection method: clinical testing. Allele origin: germline.
Comment: The MEPE c.1450T>G variant is predicted to result in the amino acid substitution p.Ser484Ala. To our knowledge, this variant has not been reported in the literature. This variant is reported in 0.0039% of alleles in individuals of European (Non-Finnish) descent in gnomAD. At this time, the clinical significance of this variant is uncertain due to the absence of conclusive functional and genetic evidence.